The following is an entry in ClinVar:

NM_182961.4(SYNE1):c.20433A>T (p.Leu6811Phe)

Gene: SYNE1 (spectrin repeat containing nuclear envelope protein 1; minus strand). Cytogenetic location: 6q25.2.
Variant type: single nucleotide variant.
Coding change: c.20433A>T on transcript NM_182961.4 (MANE Select); coding-DNA position 20433, A replaced by T.
Protein change: p.Leu6811Phe; replaces leucine 6811 with phenylalanine.
Molecular consequence: missense variant.
Genome position (GRCh38, 1-based): chr6:152,234,764, T>A on the plus strand (A>T on the coding strand, the complement: SYNE1 is on the minus strand). VCF-style: chr6-152234764-T-A. GRCh37 (hg19) VCF-style: chr6-152555899-T-A.
Other names: c.20220A>T, p.Leu6740Phe (NM_033071.5); short protein forms L6740F, L6811F.
Identifiers: ClinVar variation 1027048 (VCV001027048.7), dbSNP rs766238098, ClinGen allele CA4054429.

ClinVar aggregate classification (germline): Uncertain significance (1 of 4 stars; one submission).

Conditions:
Autosomal recessive ataxia, Beauce type. Also called: ATAXIA, RECESSIVE, OF BEAUCE; Spinocerebellar ataxia, autosomal recessive 8; SYNE1-Related Autosomal Recessive Cerebellar Ataxia; SYNE1 Deficiency. Identifiers: Orphanet 88644, MedGen C1853116, MONDO:0012549, OMIM 610743.
Emery-Dreifuss muscular dystrophy 4, autosomal dominant (EDMD4). Also called: EMERY-DREIFUSS MUSCULAR DYSTROPHY 4 WITH VARIABLE FEATURES. Identifiers: Orphanet 261, MedGen C2751807, MONDO:0013071, OMIM 612998.

Allele frequency attached by ClinVar (database versions not stated): gnomAD 0.00001 and 0.00002; ExAC 0.00002; gnomAD exomes 0.00002; TOPMed 0.00002.
gnomAD v4.1: 28 of 1,614,118 alleles (0.0017%); highest among the groups gnomAD compares: Admixed American, 0.005%; no homozygotes.

Submission:

Labcorp Genetics (formerly Invitae), Labcorp
Classification: Uncertain significance for Emery-Dreifuss muscular dystrophy 4, autosomal dominant; Autosomal recessive ataxia, Beauce type. Last evaluated: 2020-03-14. Review status: criteria provided, single submitter. Criteria: Invitae Variant Classification Sherloc (09022015). Collection method: clinical testing. Allele origin: germline.
Comment: This sequence change replaces leucine with phenylalanine at codon 6740 of the SYNE1 protein (p.Leu6740Phe). The leucine residue is highly conserved and there is a small physicochemical difference between leucine and phenylalanine. This variant is present in population databases (rs766238098, ExAC 0.02%). This variant has not been reported in the literature in individuals with SYNE1-related conditions. Algorithms developed to predict the effect of missense changes on protein structure and function are either unavailable or do not agree on the potential impact of this missense change (SIFT: "Deleterious"; PolyPhen-2: "Probably Damaging"; Align-GVGD: "Class C15"). In summary, the available evidence is currently insufficient to determine the role of this variant in disease. Therefore, it has been classified as a Variant of Uncertain Significance.